The following is an entry in ClinVar:

NM_020207.7(ERCC6L2):c.1202A>G (p.Gln401Arg)

Gene: ERCC6L2 (ERCC excision repair 6 like 2; plus strand). Cytogenetic location: 9q22.32.
Variant type: single nucleotide variant.
Coding change: c.1202A>G on transcript NM_020207.7 (MANE Select); coding-DNA position 1202, A replaced by G.
Protein change: p.Gln401Arg; replaces glutamine 401 with arginine.
Molecular consequence: missense variant. On other transcripts: non-coding transcript variant (1).
Genome position (GRCh38, 1-based): chr9:95,921,218, A>G. VCF-style: chr9-95921218-A-G. GRCh37 (hg19) VCF-style: chr9-98683500-A-G.
Other names: c.1202A>G, p.Gln401Arg (NM_001010895.4, NM_001375291.1, NM_001375292.1 and 2 more transcripts); short protein forms Q401R.
Identifiers: ClinVar variation 3845992 (VCV003845992.2).

ClinVar aggregate classification (germline): Uncertain significance (1 of 4 stars; one submission).

Conditions:
Inborn genetic diseases. Identifiers: MedGen C0950123, MeSH D030342.

Submission:

Ambry Genetics
Classification: Uncertain significance for Inborn genetic diseases. Last evaluated: 2026-06-26. Review status: criteria provided, single submitter. Criteria: Ambry Variant Classification Scheme 2023. Collection method: clinical testing. Allele origin: germline.
Comment: The p.Q401R variant (also known as c.1202A>G), located in coding exon 7 of the ERCC6L2 gene, results from an A to G substitution at nucleotide position 1202. The glutamine at codon 401 is replaced by arginine, an amino acid with highly similar properties. This amino acid position is conserved. In addition, the in silico prediction for this alteration is inconclusive. Based on the available evidence, the clinical significance of this variant remains unclear.